The following is an entry in ClinVar:

ClinVar aggregate classification (germline): Uncertain significance. Review status: criteria provided, multiple submitters, no conflicts (2 of 4 stars). 3 submissions from 3 submitters: Uncertain significance (3). Last evaluated 2024-04-25.

Conditions:
Malignant hyperthermia, susceptibility to, 5 (MHS5). Also called: CACNA1S-Related Malignant Hyperthermia Susceptibility. Identifiers: Orphanet 423, MedGen C1866077, MONDO:0011163, OMIM 601887.

Allele frequency attached by ClinVar (database versions not stated): ExAC 0.00001; gnomAD 0.00001.
gnomAD v4.1: 5 of 1,613,768 alleles (0.00031%); highest among the groups gnomAD compares: African/African-American, 0.0027%; no homozygotes.

Submissions (3):

All of Us Research Program, National Institutes of Health
Classification: Uncertain significance for Malignant hyperthermia, susceptibility to, 5. Last evaluated: 2024-04-25. Review status: criteria provided, single submitter. Criteria: ACMG Guidelines, 2015. Collection method: clinical testing. Allele origin: germline. Inheritance: Autosomal dominant inheritance. Observed: 1 variant allele, 1 heterozygote.
Comment: This missense variant replaces arginine with cysteine at codon 1229 of the CACNA1S protein. Computational prediction suggests that this variant may have deleterious impact on protein structure and function (internally defined REVEL score threshold >= 0.7, PMID: 27666373). To our knowledge, functional studies have not been reported for this variant. This variant has not been reported in individuals affected with CACNA1S-related disorders in the literature. This variant has been identified in 2/281872 chromosomes in the general population by the Genome Aggregation Database (gnomAD). The available evidence is insufficient to determine the role of this variant in disease conclusively. Therefore, this variant is classified as a Variant of Uncertain Significance.

This study involves interpretation of variants in research participants for the purpose of population health screening. Participant phenotype was not available at the time of variant classification. Additional details can be found in publication PMID: 35346344, PMCID: PMC8962531

Color Diagnostics, LLC DBA Color Health
Classification: Uncertain significance for Malignant hyperthermia, susceptibility to, 5. Last evaluated: 2024-04-17. Review status: criteria provided, single submitter. Criteria: ACMG Guidelines, 2015. Collection method: clinical testing. Allele origin: germline.
Comment: This missense variant replaces arginine with cysteine at codon 1229 of the CACNA1S protein. Computational prediction suggests that this variant may have deleterious impact on protein structure and function. To our knowledge, functional studies have not been reported for this variant. This variant has not been reported in individuals affected with CACNA1S-related disorders in the literature. This variant has been identified in 2/281872 chromosomes in the general population by the Genome Aggregation Database (gnomAD). The available evidence is insufficient to determine the role of this variant in disease conclusively. Therefore, this variant is classified as a Variant of Uncertain Significance.

GeneDx
Classification: Uncertain significance. Last evaluated: 2019-07-11. Review status: criteria provided, single submitter. Criteria: GeneDx Variant Classification Process June 2021. Collection method: clinical testing. Allele origin: germline. Affected: yes.
Comment: In silico analysis, which includes protein predictors and evolutionary conservation, supports a deleterious effect; Has not been previously published as pathogenic or benign to our knowledge

NM_000069.3(CACNA1S):c.3685C>T (p.Arg1229Cys)

Gene: CACNA1S (calcium voltage-gated channel subunit alpha1 S; minus strand). Cytogenetic location: 1q32.1.
Variant type: single nucleotide variant.
Coding change: c.3685C>T on transcript NM_000069.3 (MANE Select); coding-DNA position 3685, C replaced by T.
Protein change: p.Arg1229Cys; replaces arginine 1229 with cysteine.
Molecular consequence: missense variant.
Genome position (GRCh38, 1-based): chr1:201,053,569, G>A on the plus strand (C>T on the coding strand, the complement: CACNA1S is on the minus strand). VCF-style: chr1-201053569-G-A. GRCh37 (hg19) VCF-style: chr1-201022697-G-A.
Other names: short protein forms R1229C.
Identifiers: ClinVar variation 1318711 (VCV001318711.4), dbSNP rs781070076, ClinGen allele CA082751.